The following is an entry in ClinVar:

NM_173689.7(CRB2):c.2200G>A (p.Gly734Arg)

Gene: CRB2 (crumbs cell polarity complex component 2; plus strand). Cytogenetic location: 9q33.3.
Variant type: single nucleotide variant.
Coding change: c.2200G>A on transcript NM_173689.7 (MANE Select); coding-DNA position 2200, G replaced by A.
Protein change: p.Gly734Arg; replaces glycine 734 with arginine.
Molecular consequence: missense variant. On other transcripts: non-coding transcript variant (1).
Genome position (GRCh38, 1-based): chr9:123,371,342, G>A. VCF-style: chr9-123371342-G-A. GRCh37 (hg19) VCF-style: chr9-126133621-G-A.
Other names: c.2200G>A (NM_173689.5); short protein forms G734R.
Identifiers: ClinVar variation 1437930 (VCV001437930.8), dbSNP rs369985658, ClinGen allele CA5232150.

ClinVar aggregate classification (germline): Uncertain significance. Review status: criteria provided, multiple submitters, no conflicts (2 of 4 stars). 2 submissions from 2 submitters: Uncertain significance (2). Last evaluated 2025-08-27.

Conditions:
Inborn genetic diseases. Identifiers: MedGen C0950123, MeSH D030342.

Allele frequency attached by ClinVar (database versions not stated): gnomAD 0.00002; ExAC 0.00003; gnomAD exomes 0.00003; TOPMed 0.00003; ESP Exome Variant Server 0.00015.
gnomAD v4.1: 46 of 1,605,668 alleles (0.0029%); highest among the groups gnomAD compares: Middle Eastern, 0.017%; no homozygotes.

Submissions (2):

Ambry Genetics
Classification: Uncertain significance for Inborn genetic diseases. Last evaluated: 2025-08-27. Review status: criteria provided, single submitter. Criteria: Ambry Variant Classification Scheme 2023. Collection method: clinical testing. Allele origin: germline.

Labcorp Genetics (formerly Invitae), Labcorp
Classification: Uncertain significance. Last evaluated: 2022-12-02. Review status: criteria provided, single submitter. Criteria: Invitae Variant Classification Sherloc (09022015). Collection method: clinical testing. Allele origin: germline.
Comment: This variant has not been reported in the literature in individuals affected with CRB2-related conditions. ClinVar contains an entry for this variant (Variation ID: 1437930). This variant is present in population databases (rs369985658, gnomAD 0.006%). This sequence change replaces glycine, which is neutral and non-polar, with arginine, which is basic and polar, at codon 734 of the CRB2 protein (p.Gly734Arg). In summary, the available evidence is currently insufficient to determine the role of this variant in disease. Therefore, it has been classified as a Variant of Uncertain Significance. Advanced modeling of protein sequence and biophysical properties (such as structural, functional, and spatial information, amino acid conservation, physicochemical variation, residue mobility, and thermodynamic stability) performed at Invitae indicates that this missense variant is not expected to disrupt CRB2 protein function.